The following is an entry in ClinVar:

ClinVar aggregate classification (germline): Conflicting classifications of pathogenicity. Review status: criteria provided, conflicting classifications (1 of 4 stars). 4 submissions from 4 submitters: Uncertain significance (1); Likely benign (3). Last evaluated 2025-07-02.

Conditions:
Immunodeficiency 35 (IMD35). Also called: HIES WITH ATYPICAL MYCOBACTERIOSIS, AUTOSOMAL RECESSIVE; HYPER-IgE SYNDROME WITH ATYPICAL MYCOBACTERIOSIS, AUTOSOMAL RECESSIVE; Susceptibility to infection due to TYK2 deficiency; TYK2 DEFICIENCY. Identifiers: Orphanet 331226, MedGen C1969086, MONDO:0012682, OMIM 611521.

Allele frequency attached by ClinVar (database versions not stated): TOPMed 0.00001; ExAC 0.00004; ESP Exome Variant Server 0.00008.
gnomAD v4.1: 61 of 1,613,488 alleles (0.0038%); highest among the groups gnomAD compares: Middle Eastern, 0.033%; no homozygotes.

Submissions (4):

Labcorp Genetics (formerly Invitae), Labcorp
Classification: Likely benign for Immunodeficiency 35. Last evaluated: 2025-07-02. Review status: criteria provided, single submitter. Criteria: Invitae Variant Classification Sherloc (09022015). Collection method: clinical testing. Allele origin: germline.

Blueprint Genetics
Classification: Likely benign. Last evaluated: 2024-09-25. Review status: criteria provided, single submitter. Criteria: ACMG Guidelines, 2015. Collection method: clinical testing. Allele origin: germline.

Illumina Laboratory Services, Illumina
Classification: Uncertain significance for Immunodeficiency 35. Last evaluated: 2018-01-13. Review status: criteria provided, single submitter. Criteria: ICSL Variant Classification Criteria 13 December 2019. Collection method: clinical testing. Allele origin: germline.

GeneDx
Classification: Likely benign. Last evaluated: 2016-09-27. Review status: criteria provided, single submitter. Criteria: GeneDx Variant Classification (06012015). Collection method: clinical testing. Allele origin: germline. Affected: yes.
Comment: This variant is considered likely benign or benign based on one or more of the following criteria: it is a conservative change, it occurs at a poorly conserved position in the protein, it is predicted to be benign by multiple in silico algorithms, and/or has population frequency not consistent with disease.

NM_003331.5(TYK2):c.1011+12G>A

Gene: TYK2 (tyrosine kinase 2; minus strand). Cytogenetic location: 19p13.2.
Variant type: single nucleotide variant.
Coding change: c.1011+12G>A on transcript NM_003331.5 (MANE Select); 12 bases into the intron after coding-DNA position 1011, G replaced by A.
Molecular consequence: intron variant.
Genome position (GRCh38, 1-based): chr19:10,365,505, C>T on the plus strand (G>A on the coding strand, the complement: TYK2 is on the minus strand). VCF-style: chr19-10365505-C-T. GRCh37 (hg19) VCF-style: chr19-10476181-C-T.
Other names: c.1011+12G>A (LRG_121t1).
Identifiers: ClinVar variation 389612 (VCV000389612.7), dbSNP rs377517686, ClinGen allele CA9193568.